The following is an entry in ClinVar:

NM_006642.5(SDCCAG8):c.1178T>A (p.Met393Lys)

Gene: SDCCAG8 (SHH signaling and ciliogenesis regulator SDCCAG8; plus strand). Cytogenetic location: 1q43.
Variant type: single nucleotide variant.
Coding change: c.1178T>A on transcript NM_006642.5 (MANE Select); coding-DNA position 1178, T replaced by A.
Protein change: p.Met393Lys; replaces methionine 393 with lysine.
Molecular consequence: missense variant.
Genome position (GRCh38, 1-based): chr1:243,330,649, T>A. VCF-style: chr1-243330649-T-A. GRCh37 (hg19) VCF-style: chr1-243493951-T-A.
Other names: c.275T>A, p.Met92Lys (NM_001350246.2, NM_001350247.2, NM_001350251.2); c.1274T>A, p.Met425Lys (NM_001350248.2); c.884T>A, p.Met295Lys (NM_001350249.2); short protein forms M425K, M92K, M295K, M393K.
Identifiers: ClinVar variation 2171560 (VCV002171560.4), dbSNP rs2527970878, ClinGen allele CA345482710.

ClinVar aggregate classification (germline): Uncertain significance (1 of 4 stars; one submission).

Conditions:
Senior-Loken syndrome 7 (SLSN7). Identifiers: Orphanet 3156, MedGen C3150877, MONDO:0013326, OMIM 613615.
Bardet-Biedl syndrome 16 (BBS16). Identifiers: Orphanet 110, MedGen C3889474, MONDO:0014444, OMIM 615993.

Submission:

Labcorp Genetics (formerly Invitae), Labcorp
Classification: Uncertain significance for Bardet-Biedl syndrome 16; Senior-Loken syndrome 7. Last evaluated: 2022-08-19. Review status: criteria provided, single submitter. Criteria: Invitae Variant Classification Sherloc (09022015). Collection method: clinical testing. Allele origin: germline.
Comment: In summary, the available evidence is currently insufficient to determine the role of this variant in disease. Therefore, it has been classified as a Variant of Uncertain Significance. Algorithms developed to predict the effect of missense changes on protein structure and function (SIFT, PolyPhen-2, Align-GVGD) all suggest that this variant is likely to be tolerated. This variant has not been reported in the literature in individuals affected with SDCCAG8-related conditions. This variant is not present in population databases (gnomAD no frequency). This sequence change replaces methionine, which is neutral and non-polar, with lysine, which is basic and polar, at codon 393 of the SDCCAG8 protein (p.Met393Lys).